The following is an entry in ClinVar:

ClinVar aggregate classification (germline): Uncertain significance (1 of 4 stars; one submission).

Submission:

Ambry Genetics
Classification: Uncertain significance. Last evaluated: 2025-09-19. Review status: criteria provided, single submitter. Criteria: Ambry Variant Classification Scheme 2023. Collection method: clinical testing. Allele origin: germline.
Comment: The p.D66A variant (also known as c.197A>C), located in coding exon 2 of the GFI1 gene, results from an A to C substitution at nucleotide position 197. The aspartic acid at codon 66 is replaced by alanine, an amino acid with dissimilar properties. This amino acid position is conserved. In addition, this alteration is predicted to be tolerated by in silico analysis. Based on the available evidence, the clinical significance of this variant remains unclear.

NM_005263.5(GFI1):c.197A>C (p.Asp66Ala)

Gene: GFI1 (growth factor independent 1 transcriptional repressor; minus strand). Cytogenetic location: 1p22.1.
Variant type: single nucleotide variant.
Coding change: c.197A>C on transcript NM_005263.5 (MANE Select); coding-DNA position 197, A replaced by C.
Protein change: p.Asp66Ala; replaces aspartic acid 66 with alanine.
Molecular consequence: missense variant.
Genome position (GRCh38, 1-based): chr1:92,482,965, T>G on the plus strand (A>C on the coding strand, the complement: GFI1 is on the minus strand). VCF-style: chr1-92482965-T-G. GRCh37 (hg19) VCF-style: chr1-92948522-T-G.
Other names: c.197A>C, p.Asp66Ala (NM_001127215.3, NM_001127216.3); short protein forms D66A.
Identifiers: ClinVar variation 4671555 (VCV004671555.1).